The following is an entry in ClinVar:

ClinVar aggregate classification (germline): Likely benign. Review status: criteria provided, single submitter (1 of 4 stars). 2 submissions from 2 submitters: Likely benign (1). 1 of the submissions does not count toward it. Last evaluated 2023-03-23.

Conditions:
Familial cancer of breast. Also called: BREAST CANCER, FAMILIAL; Hereditary breast cancer; hereditary breast carcinoma. Identifiers: Orphanet 227535, MedGen C0346153, MONDO:0016419, OMIM 114480. Disease mechanism: loss of function.
Hereditary cancer-predisposing syndrome. Also called: Neoplastic Syndromes, Hereditary; Hereditary neoplastic syndrome; Tumor predisposition; Hereditary Cancer Syndrome. Identifiers: Orphanet 140162, MedGen C0027672, MeSH D009386, MONDO:0015356.

Submissions (2):

University of Washington Department of Laboratory Medicine, University of Washington
Classification: Likely benign for Hereditary cancer-predisposing syndrome. Last evaluated: 2023-03-23. Review status: criteria provided, single submitter. Criteria: Dines et al. (Genet Med. 2020). Collection method: curation. Allele origin: germline.
Comment: Missense variant in a coldspot region where missense variants are very unlikely to be pathogenic (PMID:31911673).

BRCA1 coldspot (exon 11 using historical exon numbering). Reclassification based on statistical prior probability

ClinVar Staff, National Center for Biotechnology Information (NCBI)
No classification provided. Condition: Familial cancer of breast. Review status: no classification provided. Collection method: literature only. Allele origin: germline. Affected: yes. Not counted in ClinVar's aggregate classification.

Literature cited by the submitters: PubMed 18835712 (cited by ClinVar Staff, National Center for Biotechnology Information (NCBI)).

NM_007294.4(BRCA1):c.3072C>G (p.Ser1024Arg)

Gene: BRCA1 (BRCA1 DNA repair associated; minus strand). Cytogenetic location: 17q21.31.
Variant type: single nucleotide variant.
Coding change: c.3072C>G on transcript NM_007294.4 (MANE Select); coding-DNA position 3072, C replaced by G.
Protein change: p.Ser1024Arg; replaces serine 1024 with arginine.
Molecular consequence: missense variant. On other transcripts: intron variant (137).
Genome position (GRCh38, 1-based): chr17:43,092,459, G>C on the plus strand (C>G on the coding strand, the complement: BRCA1 is on the minus strand). VCF-style: chr17-43092459-G-C. GRCh37 (hg19) VCF-style: chr17-41244476-G-C.
Other names: c.2931C>G, p.Ser977Arg (NM_001407726.1, NM_001407727.1, NM_001407728.1 and 29 more transcripts); c.2928C>G, p.Ser976Arg (NM_001407740.1, NM_001407741.1, NM_001407742.1 and 20 more transcripts); c.2859C>G, p.Ser953Arg (NM_001407853.1, NM_001407894.1, NM_001407895.1 and 9 more transcripts); c.3072C>G, p.Ser1024Arg (NM_001407854.1, NM_001407858.1, NM_001407859.1 and 30 more transcripts); c.3069C>G, p.Ser1023Arg (NM_001407860.1, NM_001407861.1, NM_001407587.1 and 22 more transcripts); c.2871C>G, p.Ser957Arg (NM_001407862.1); c.2949C>G, p.Ser983Arg (NM_001407863.1, NM_001407919.1, NM_001407937.1 and 19 more transcripts); c.2868C>G, p.Ser956Arg (NM_001407874.1, NM_001407875.1); and 41 more; short protein forms S1024R, S977R, S1021R, S897R, S954R, S856R, S912R, S957R.
Identifiers: ClinVar variation 54765 (VCV000054765.4), dbSNP rs397509033, ClinGen allele CA002015.
Genomic context (GRCh38, chr17:43,092,459, plus strand): 5'-AATATTGCTTGAGCTGGCTTCTTTAAAAACATTTTCTCTAATGTTATTACGGCTAATTGT[G>C]CTCACTGTACTTGGAATGTTCTCATTTCCCATTTCTCTTTCAGGTGACATTGAATGTTCC-3'
Protein context (NP_009225.1, residues 1014-1034): MGNENIPSTV[Ser1024Arg]TISRNNIREN